The following is an entry in ClinVar:

ClinVar aggregate classification (germline): Uncertain significance (1 of 4 stars; one submission).

Conditions:
Hereditary breast ovarian cancer syndrome. Also called: BRCA1- and BRCA2-Associated Hereditary Breast and Ovarian Cancer; Hereditary breast and ovarian cancer syndrome; Breast and ovarian cancer; Hereditary breast and ovarian cancer; Hereditary breast and ovarian cancer syndrome (HBOC); Hereditary breast and/or ovarian cancer syndrome. Identifiers: Orphanet 145, MedGen C0677776, MeSH D061325, MONDO:0003582. Disease mechanism: loss of function.

Submission:

Labcorp Genetics (formerly Invitae), Labcorp
Classification: Uncertain significance for Hereditary breast ovarian cancer syndrome. Last evaluated: 2025-05-05. Review status: criteria provided, single submitter. Criteria: Invitae Variant Classification Sherloc (09022015). Collection method: clinical testing. Allele origin: germline.
Comment: This sequence change replaces asparagine, which is neutral and polar, with lysine, which is basic and polar, at codon 500 of the BRCA1 protein (p.Asn500Lys). This variant is not present in population databases (gnomAD no frequency). This missense change has been observed in individual(s) with breast and/or ovarian cancer (PMID: 16515586, 30702160, 34981296). ClinVar contains an entry for this variant (Variation ID: 2884072). Invitae Evidence Modeling of protein sequence and biophysical properties (such as structural, functional, and spatial information, amino acid conservation, physicochemical variation, residue mobility, and thermodynamic stability) indicates that this missense variant is not expected to disrupt BRCA1 protein function with a negative predictive value of 80%. In summary, the available evidence is currently insufficient to determine the role of this variant in disease. Therefore, it has been classified as a Variant of Uncertain Significance.

Literature cited by the submitters: PubMed 16515586; PubMed 30702160; PubMed 34981296.

NM_007294.4(BRCA1):c.1500T>A (p.Asn500Lys)

Gene: BRCA1 (BRCA1 DNA repair associated; minus strand). Cytogenetic location: 17q21.31.
Variant type: single nucleotide variant.
Coding change: c.1500T>A on transcript NM_007294.4 (MANE Select); coding-DNA position 1500, T replaced by A.
Protein change: p.Asn500Lys; replaces asparagine 500 with lysine.
Molecular consequence: missense variant. On other transcripts: intron variant (137).
Genome position (GRCh38, 1-based): chr17:43,094,031, A>T on the plus strand (T>A on the coding strand, the complement: BRCA1 is on the minus strand). VCF-style: chr17-43094031-A-T. GRCh37 (hg19) VCF-style: chr17-41246048-A-T.
Other names: c.1287T>A, p.Asn429Lys (NM_001407571.1, NM_001407853.1, NM_001407894.1 and 9 more transcripts); c.1500T>A, p.Asn500Lys (NM_001407581.1, NM_001407582.1, NM_001407583.1 and 30 more transcripts); c.1497T>A, p.Asn499Lys (NM_001407587.1, NM_001407590.1, NM_001407591.1 and 22 more transcripts); c.1491T>A, p.Asn497Lys (NM_001407646.1, NM_001407647.1); c.1377T>A, p.Asn459Lys (NM_001407648.1, NM_001407664.1, NM_001407665.1 and 19 more transcripts); c.1374T>A, p.Asn458Lys (NM_001407649.1, NM_001407670.1, NM_001407671.1 and 11 more transcripts); c.1422T>A, p.Asn474Lys (NM_001407653.1, NM_001407654.1, NM_001407655.1 and 4 more transcripts); c.1419T>A, p.Asn473Lys (NM_001407659.1, NM_001407660.1, NM_001407661.1 and 1 more transcripts); and 40 more; short protein forms N332K, N412K, N429K, N452K, N372K, N430K, N453K, N459K.
Identifiers: ClinVar variation 2884072 (VCV002884072.3), dbSNP rs1597875751, ClinGen allele CA10599047.